The following is an entry in ClinVar:

NC_000015.9:g.(?_32964740)_(32988830_?)dup

Genes: ARHGAP11A-SCG5 (ARHGAP11A-SCG5 readthrough; plus strand), GREM1 (gremlin 1, DAN family BMP antagonist; plus strand), SCG5 (secretogranin V; plus strand), SCG5-AS1 (SCG5 antisense RNA 1; minus strand). Cytogenetic location: 15q13.3.
Variant type: Duplication.
Identifiers: ClinVar variation 476577 (VCV000476577.7).

ClinVar aggregate classification (germline): Uncertain significance (1 of 4 stars; one submission).

Conditions:
Familial colorectal cancer. Identifiers: MedGen CN280943, MONDO:0023113. Disease mechanism: loss of function.

Submission:

Labcorp Genetics (formerly Invitae), Labcorp
Classification: Uncertain significance for Familial colorectal cancer. Last evaluated: 2017-12-21. Review status: criteria provided, single submitter. Criteria: Invitae Variant Classification Sherloc (09022015). Collection method: clinical testing. Allele origin: germline.
Comment: In summary, duplications of the GREM1 promoter region have been reported in individuals with hereditary mixed polyposis syndrome. However, the 5' boundary of this particular variant in this individual extends further upstream of those two other duplications, and therefore the consequence of this particular variant is currently unknown. For these reasons, it has been classified as a Variant of Uncertain Significance. Two different tandem duplications (40 kb and 16 kb) spanning the 3' end of the SCG5 gene and the region upstream of the GREM1 gene have been reported in families with hereditary mixed polyposis syndrome (PMID: 22561515, 25992589, 26493165). However, the variant identified in this individual occurs further upstream of those variants, and the impact of the this duplicated sequence on GREM1 expression and function has not been established. A gross duplication of the genomic region encompassing the promoter of the GREM1 gene has been identified. The precise boundaries of this event are unknown.

Literature cited by the submitters: PubMed 22561515; PubMed 25992589; PubMed 26493165.